The following is an entry in ClinVar:

NM_003403.5(YY1):c.281C>T (p.Pro94Leu)

Gene: YY1 (YY1 transcription factor; plus strand). Cytogenetic location: 14q32.2.
Variant type: single nucleotide variant.
Coding change: c.281C>T on transcript NM_003403.5 (MANE Select); coding-DNA position 281, C replaced by T.
Protein change: p.Pro94Leu; replaces proline 94 with leucine.
Molecular consequence: missense variant.
Genome position (GRCh38, 1-based): chr14:100,239,525, C>T. VCF-style: chr14-100239525-C-T. GRCh37 (hg19) VCF-style: chr14-100705862-C-T.
Other names: short protein forms P94L.
Identifiers: ClinVar variation 3253341 (VCV003253341.1), dbSNP rs1890691522.

ClinVar aggregate classification (germline): Uncertain significance (1 of 4 stars; one submission).

Allele frequency attached by ClinVar (database versions not stated): gnomAD exomes below 0.00001.
gnomAD v4.1: 1 of 1,611,914 alleles (0.000062%); highest among the groups gnomAD compares: Non-Finnish European, 0.000085%; no homozygotes.

Submission:

GeneDx
Classification: Uncertain significance. Last evaluated: 2023-12-11. Review status: criteria provided, single submitter. Criteria: GeneDx Variant Classification Process June 2021. Collection method: clinical testing. Allele origin: germline. Affected: yes.
Comment: Not observed at significant frequency in large population cohorts (gnomAD); In silico analysis supports that this missense variant does not alter protein structure/function; Has not been previously published as pathogenic or benign to our knowledge